The following is an entry in ClinVar:

ClinVar aggregate classification (germline): Uncertain significance (1 of 4 stars; one submission).

Submission:

Labcorp Genetics (formerly Invitae), Labcorp
Classification: Uncertain significance. Last evaluated: 2023-03-26. Review status: criteria provided, single submitter. Criteria: Invitae Variant Classification Sherloc (09022015). Collection method: clinical testing. Allele origin: germline.
Comment: In summary, the available evidence is currently insufficient to determine the role of this variant in disease. Therefore, it has been classified as a Variant of Uncertain Significance. Advanced modeling of protein sequence and biophysical properties (such as structural, functional, and spatial information, amino acid conservation, physicochemical variation, residue mobility, and thermodynamic stability) performed at Invitae indicates that this missense variant is not expected to disrupt MTOR protein function. This variant has not been reported in the literature in individuals affected with MTOR-related conditions. This variant is not present in population databases (gnomAD no frequency). This sequence change replaces arginine, which is basic and polar, with proline, which is neutral and non-polar, at codon 1987 of the MTOR protein (p.Arg1987Pro).

NM_004958.4(MTOR):c.5960G>C (p.Arg1987Pro)

Gene: MTOR (mechanistic target of rapamycin kinase; minus strand). Cytogenetic location: 1p36.22.
Variant type: single nucleotide variant.
Coding change: c.5960G>C on transcript NM_004958.4 (MANE Select); coding-DNA position 5960, G replaced by C.
Protein change: p.Arg1987Pro; replaces arginine 1987 with proline.
Molecular consequence: missense variant.
Genome position (GRCh38, 1-based): chr1:11,128,077, C>G on the plus strand (G>C on the coding strand, the complement: MTOR is on the minus strand). VCF-style: chr1-11128077-C-G. GRCh37 (hg19) VCF-style: chr1-11188134-C-G.
Other names: c.5960G>C, p.Arg1987Pro (NM_001386500.1); c.4712G>C, p.Arg1571Pro (NM_001386501.1); short protein forms R1571P, R1987P.
Identifiers: ClinVar variation 2849805 (VCV002849805.3), dbSNP rs2100413784, ClinGen allele CA338394584.
Genomic context (GRCh38, chr1:11,128,077, plus strand): 5'-TGGACCAGGGTGTTGCTGTGCTCACACATGTTCTTCAGAATCTTGTTGGCTGCATTGTGC[C>G]GGGCTGTCGTGGTAGACTTAGAAGCCACTGTCAGTGGGTAGATGAGGGCCTGAGGGAAAA-3'
Protein context (NP_004949.1, residues 1977-1997): TVASKSTTTA[Arg1987Pro]HNAANKILKN